The following is an entry in ClinVar:

NM_000059.4(BRCA2):c.9970C>T (p.Pro3324Ser)

Gene: BRCA2 (BRCA2 DNA repair associated; plus strand). Cytogenetic location: 13q13.1.
Variant type: single nucleotide variant.
Coding change: c.9970C>T on transcript NM_000059.4 (MANE Select); coding-DNA position 9970, C replaced by T.
Protein change: p.Pro3324Ser; replaces proline 3324 with serine.
Molecular consequence: missense variant.
Genome position (GRCh38, 1-based): chr13:32,398,483, C>T. VCF-style: chr13-32398483-C-T. GRCh37 (hg19) VCF-style: chr13-32972620-C-T.
Other names: short protein forms P3324S.
Identifiers: ClinVar variation 1332205 (VCV001332205.3), dbSNP rs2137665434, ClinGen allele CA387767454.

ClinVar aggregate classification (germline): Uncertain significance. Review status: criteria provided, multiple submitters, no conflicts (2 of 4 stars). 2 submissions from 2 submitters: Uncertain significance (2). Last evaluated 2025-04-14.

Conditions:
Hereditary cancer-predisposing syndrome. Also called: Tumor predisposition; Hereditary Cancer Syndrome; Neoplastic Syndromes, Hereditary; Hereditary neoplastic syndrome. Identifiers: Orphanet 140162, MedGen C0027672, MeSH D009386, MONDO:0015356.

Submissions (2):

Ambry Genetics
Classification: Uncertain significance for Hereditary cancer-predisposing syndrome. Last evaluated: 2025-04-14. Review status: criteria provided, single submitter. Criteria: Ambry Variant Classification Scheme 2023. Collection method: clinical testing. Allele origin: germline.
Comment: The p.P3324S variant (also known as c.9970C>T), located in coding exon 26 of the BRCA2 gene, results from a C to T substitution at nucleotide position 9970. The proline at codon 3324 is replaced by serine, an amino acid with similar properties. This amino acid position is conserved. In addition, this alteration is predicted to be tolerated by in silico analysis. Based on the available evidence, the clinical significance of this variant remains unclear.

Color Diagnostics, LLC DBA Color Health
Classification: Uncertain significance for Hereditary cancer-predisposing syndrome. Last evaluated: 2021-05-18. Review status: criteria provided, single submitter. Criteria: ACMG Guidelines, 2015. Collection method: clinical testing. Allele origin: germline.
Comment: This missense variant replaces proline with serine at codon 3324 of the BRCA2 protein. Computational prediction suggests that this variant may not impact protein structure and function (internally defined REVEL score threshold <= 0.5, PMID: 27666373). To our knowledge, functional studies have not been reported for this variant. This variant has not been reported in individuals affected with hereditary cancer in the literature. This variant has not been identified in the general population by the Genome Aggregation Database (gnomAD). The available evidence is insufficient to determine the role of this variant in disease conclusively. Therefore, this variant is classified as a Variant of Uncertain Significance.